The following is an entry in ClinVar:

ClinVar aggregate classification (germline): Uncertain significance (1 of 4 stars; one submission).

Submission:

Labcorp Genetics (formerly Invitae), Labcorp
Classification: Uncertain significance. Last evaluated: 2023-04-01. Review status: criteria provided, single submitter. Criteria: Invitae Variant Classification Sherloc (09022015). Collection method: clinical testing. Allele origin: germline.
Comment: In summary, the available evidence is currently insufficient to determine the role of this variant in disease. Therefore, it has been classified as a Variant of Uncertain Significance. This variant, c.867_875dup, results in the insertion of 3 amino acid(s) of the COL9A1 protein (p.Ile291_Gly293dup), but otherwise preserves the integrity of the reading frame. This variant is not present in population databases (gnomAD no frequency). This variant has not been reported in the literature in individuals affected with COL9A1-related conditions.

NM_001851.6(COL9A1):c.867_875dup (p.Gly293_Asp294insIleAspGly)

Gene: COL9A1 (collagen type IX alpha 1 chain; minus strand). Cytogenetic location: 6q13.
Variant type: Duplication.
Coding change: c.867_875dup on transcript NM_001851.6 (MANE Select); coding-DNA positions 867 to 875, 9 bases duplicated (TGGCATCGA; older notation c.867_875dupTGGCATCGA).
Protein change: p.Gly293_Asp294insIleAspGly.
Molecular consequence: inframe insertion. On other transcripts: non-coding transcript variant (1).
Genome position (GRCh38, 1-based): chr6:70,281,391-70,281,399, TCGATGCCA duplicated on the plus strand (TGGCATCGA on the coding strand, the reverse complement: COL9A1 is on the minus strand); duplicating any 9 consecutive bases within chr6:70,281,391-70,281,407 gives the same sequence; the c. name uses the placement nearest the transcript's 3' end. VCF-style (leftmost placement, unchanged base first): chr6-70281390-G-GTCGATGCCA. GRCh37 (hg19) VCF-style: chr6-70991093-G-GTCGATGCCA.
Other names: c.138_146dup, p.Gly50_Asp51insIleAspGly (NM_001377289.1, NM_001377290.1, NM_078485.4); c.867_875dup, p.Gly293_Asp294insIleAspGly (NM_001377291.1).
Identifiers: ClinVar variation 2851395 (VCV002851395.3), dbSNP rs2483459049, ClinGen allele CA2679326819.